The following is an entry in ClinVar:

ClinVar aggregate classification (germline): Pathogenic/Likely pathogenic. Review status: criteria provided, multiple submitters, no conflicts (2 of 4 stars). 4 submissions from 4 submitters: Pathogenic (2); Likely pathogenic (2). Last evaluated 2026-05-14.

Conditions:
Inborn genetic diseases. Identifiers: MedGen C0950123, MeSH D030342.
UROD-related disorder. Also called: UROD-related disorders; UROD-related condition.

Allele frequency attached by ClinVar (database versions not stated): ExAC 0.00001; gnomAD exomes 0.00001; TOPMed 0.00002; gnomAD 0.00003; ESP Exome Variant Server 0.00008.

Submissions (4):

PreventionGenetics, part of Exact Sciences
Classification: Likely pathogenic for UROD-related condition. Last evaluated: 2026-05-14. Review status: criteria provided, single submitter. Criteria: ACMG Guidelines, 2015. Collection method: clinical testing. Allele origin: germline.
Comment: The UROD c.238G>T variant is predicted to result in the amino acid substitution p.Ala80Ser. This variant has been reported in multiple individuals with porphyria cutanea tarda (Brady et al. 2000. PubMed ID: 11069625; Christiansen et al. 2000. PubMed ID: 11202053; Aarsand et al. 2009. PubMed ID: 19233912). An alternate nucleotide change affecting the same amino acid, c.239C>G (p.Ala80Gly), has also been reported in patients with porphyria (McManus et al. 1996. PubMed ID: 8896428; Mendez et al. 2000. PubMed ID: 10980536). This variant is reported in 0.0031% of alleles in individuals of European (non-Finnish) descent in gnomAD. In vitro experimental studies indicate that this variant leads to reduced UROD enzyme activity (Phillips et al. 2001. PubMed ID: 11719352; Christiansen et al. 2005. PubMed ID: 16095052). This variant is interpreted as likely pathogenic.

Ambry Genetics
Classification: Likely pathogenic for Inborn genetic diseases. Last evaluated: 2026-04-29. Review status: criteria provided, single submitter. Criteria: Ambry Variant Classification Scheme 2023. Collection method: clinical testing. Allele origin: germline.
Comment: The c.238G>T (p.A80S) alteration is located in exon 4 (coding exon 4) of the UROD gene. This alteration results from a G to T substitution at nucleotide position 238, causing the alanine (A) at amino acid position 80 to be replaced by a serine (S). Based on data from gnomAD, the T allele has an overall frequency of 0.001% (4/282884) total alleles studied. The highest observed frequency was 0.003% (4/129188) of European (non-Finnish) alleles. This variant was reported in individual(s) with features consistent with UROD-related porphyria (Brady, 2000; Christiansen, 2000; Phillips, 2001; Weiss, 2019; Bonkovsky, 2023). Other variant(s) at the same codon, c.239C>G (p.A80G) have been identified in individual(s) with features consistent with UROD-related porphyria (McManus, 1996; Mendez, 2000). This amino acid position is highly conserved in available vertebrate species. This alteration is predicted to be deleterious by in silico analysis. Based on the available evidence, this alteration is classified as likely pathogenic.

Labcorp Genetics (formerly Invitae), Labcorp
Classification: Pathogenic. Last evaluated: 2025-12-08. Review status: criteria provided, single submitter. Criteria: Invitae Variant Classification Sherloc (09022015). Collection method: clinical testing. Allele origin: germline.
Comment: This sequence change replaces alanine, which is neutral and non-polar, with serine, which is neutral and polar, at codon 80 of the UROD protein (p.Ala80Ser). This variant is present in population databases (rs376921379, gnomAD 0.003%). This missense change has been observed in individuals with autosomal dominant porphyria cutanea tarda (PMID: 11069625, 11202053, 11719352). This variant is also known as 256G->T. ClinVar contains an entry for this variant (Variation ID: 2202750). Invitae Evidence Modeling of protein sequence and biophysical properties (such as structural, functional, and spatial information, amino acid conservation, physicochemical variation, residue mobility, and thermodynamic stability) indicates that this missense variant is expected to disrupt UROD protein function with a positive predictive value of 80%. Experimental studies have shown that this missense change affects UROD function (PMID: 11719352). For these reasons, this variant has been classified as Pathogenic.

Mayo Clinic Laboratories, Mayo Clinic
Classification: Pathogenic. Last evaluated: 2025-03-17. Review status: criteria provided, single submitter. Criteria: ACMG Guidelines, 2015. Collection method: clinical testing. Allele origin: germline. Observed: 3 variant alleles.
Comment: PP3, PP4, PM2_supporting, PS3, PS4_moderate

Literature cited by the submitters: PubMed 8896428 (cited by Ambry Genetics); PubMed 10980536 (cited by Ambry Genetics); PubMed 11069625 (cited by 3 submitters); PubMed 11202053 (cited by 3 submitters); PubMed 11719352 (cited by 3 submitters); PubMed 30514647 (cited by Ambry Genetics and Mayo Clinic Laboratories, Mayo Clinic); PubMed 36811718 (cited by Ambry Genetics); PubMed 15186324 (cited by Mayo Clinic Laboratories, Mayo Clinic); PubMed 16095052 (cited by Mayo Clinic Laboratories, Mayo Clinic); PubMed 19233912 (cited by Mayo Clinic Laboratories, Mayo Clinic).

NM_000374.5(UROD):c.238G>T (p.Ala80Ser)

Gene: UROD (uroporphyrinogen decarboxylase; plus strand). Cytogenetic location: 1p34.1.
Variant type: single nucleotide variant.
Coding change: c.238G>T on transcript NM_000374.5 (MANE Select); coding-DNA position 238, G replaced by T.
Protein change: p.Ala80Ser; replaces alanine 80 with serine.
Molecular consequence: missense variant. On other transcripts: non-coding transcript variant (3).
Genome position (GRCh38, 1-based): chr1:45,013,316, G>T. VCF-style: chr1-45013316-G-T. GRCh37 (hg19) VCF-style: chr1-45478988-G-T.
Other names: p.Ala80Ser; c.238G>T (NM_000374.4); short protein forms A80S.
Identifiers: ClinVar variation 2202750 (VCV002202750.8), dbSNP rs376921379, ClinGen allele CA825177.